The following is an entry in ClinVar:

NM_003227.4(TFR2):c.1811dup (p.Tyr604Ter)

Gene: TFR2 (transferrin receptor 2; minus strand). Cytogenetic location: 7q22.1.
Variant type: Duplication.
Coding change: c.1811dup on transcript NM_003227.4 (MANE Select); coding-DNA position 1811, one base duplicated (A; older notation c.1811dupA).
Protein change: p.Tyr604Ter; replaces tyrosine 604 with a stop codon.
Molecular consequence: nonsense.
Genome position (GRCh38, 1-based): chr7:100,627,448, T duplicated on the plus strand (A on the coding strand, the reverse complement: TFR2 is on the minus strand). VCF-style (leftmost placement, unchanged base first): chr7-100627447-A-AT. GRCh37 (hg19) VCF-style: chr7-100225070-A-AT.
Other names: c.1298dup, p.Tyr433Ter (NM_001206855.3); short protein forms Y433*, Y604*.
Identifiers: ClinVar variation 857035 (VCV000857035.8), dbSNP rs1803297757, ClinGen allele CA916082942.

ClinVar aggregate classification (germline): Pathogenic/Likely pathogenic. Review status: criteria provided, multiple submitters, no conflicts (2 of 4 stars). 2 submissions from 2 submitters: Pathogenic (1); Likely pathogenic (1). Last evaluated 2023-08-13.

Conditions:
Hereditary hemochromatosis (HFE). Identifiers: MedGen C0392514, MONDO:0006507. Disease mechanism: loss of function.
Hemochromatosis type 3 (HFE3). Also called: TFR2-Related Hemochromatosis; HEMOCHROMATOSIS DUE TO DEFECT IN TRANSFERRIN RECEPTOR 2; Hereditary hemochromatosis type 3. Identifiers: Orphanet 225123, MedGen C1858664, MONDO:0011417, OMIM 604250.

Submissions (2):

Baylor Genetics
Classification: Likely pathogenic for Hemochromatosis type 3. Last evaluated: 2023-08-13. Review status: criteria provided, single submitter. Criteria: ACMG Guidelines, 2015. Collection method: clinical testing. Allele origin: unknown.

Labcorp Genetics (formerly Invitae), Labcorp
Classification: Pathogenic for Hereditary hemochromatosis. Last evaluated: 2022-03-03. Review status: criteria provided, single submitter. Criteria: Invitae Variant Classification Sherloc (09022015). Collection method: clinical testing. Allele origin: germline.
Comment: For these reasons, this variant has been classified as Pathogenic. Algorithms developed to predict the effect of sequence changes on RNA splicing suggest that this variant may disrupt the consensus splice site. ClinVar contains an entry for this variant (Variation ID: 857035). This variant has not been reported in the literature in individuals affected with TFR2-related conditions. This variant is not present in population databases (gnomAD no frequency). This sequence change creates a premature translational stop signal (p.Tyr604*) in the TFR2 gene. It is expected to result in an absent or disrupted protein product. Loss-of-function variants in TFR2 are known to be pathogenic (PMID: 23600741, 26029709).

Literature cited by the submitters: PubMed 23600741 (cited by Labcorp Genetics (formerly Invitae), Labcorp); PubMed 26029709 (cited by Labcorp Genetics (formerly Invitae), Labcorp).